The following is an entry in ClinVar:

ClinVar aggregate classification (germline): Likely pathogenic. Review status: criteria provided, single submitter (1 of 4 stars). 2 submissions from 2 submitters: Likely pathogenic (1). 1 of the submissions does not count toward it. Last evaluated 2024-10-15.

Conditions:
Autosomal recessive congenital ichthyosis 1 (LI1). Also called: COLLODION FETUS; DESQUAMATION OF NEWBORN; ICHTHYOSIS CONGENITA; ICHTHYOSIS CONGENITA II; ICHTHYOSIS, CONGENITAL, AUTOSOMAL RECESSIVE 1, WITH BATHING SUIT DISTRIBUTION; LAMELLAR EXFOLIATION OF NEWBORN. Identifiers: MedGen C4551630, MONDO:0009441, OMIM 242300.

Submissions (2):

Natera, Inc.
Classification: Likely pathogenic for Autosomal recessive congenital ichthyosis type 1. Last evaluated: 2024-10-15. Review status: criteria provided, single submitter. Criteria: Natera Variant Classification Schema (03/2026). Collection method: clinical testing. Allele origin: germline.
Comment: The c.425G>C variant in TGM1 is a missense variant predicted to cause substitution of arginine to proline at amino acid 142. This variant is rare in the general population with a frequency below the threshold expected for the associated phenotype(s). This variant has been observed in one or more individuals affected with the associated recessive disease, as either homozygous or compound heterozygous with a second variant (PMID: 11298529). A different variant at the same position has been determined to be Pathogenic or Likely Pathogenic. Computational prediction algorithms indicate this variant is likely to affect gene or protein function. Given the available evidence, this variant is classified as Likely Pathogenic.

OMIM
Classification: Pathogenic for ICHTHYOSIS, CONGENITAL, AUTOSOMAL RECESSIVE 1. Last evaluated: 2001-04-01. Review status: no assertion criteria provided. Collection method: literature only. Allele origin: germline. Not counted in ClinVar's aggregate classification.

Literature cited by the submitters: PubMed 11298529 (cited by Natera, Inc. and OMIM).

NM_000359.3(TGM1):c.425G>C (p.Arg142Pro)

Gene: TGM1 (transglutaminase 1; minus strand). Cytogenetic location: 14q12.
Variant type: single nucleotide variant.
Coding change: c.425G>C on transcript NM_000359.3 (MANE Select); coding-DNA position 425, G replaced by C.
Protein change: p.Arg142Pro; replaces arginine 142 with proline.
Molecular consequence: missense variant.
Genome position (GRCh38, 1-based): chr14:24,261,778, C>G on the plus strand (G>C on the coding strand, the complement: TGM1 is on the minus strand). VCF-style: chr14-24261778-C-G. GRCh37 (hg19) VCF-style: chr14-24730984-C-G.
Other names: short protein forms R142P.
Identifiers: ClinVar variation 12494 (VCV000012494.2), dbSNP rs121918718, ClinGen allele CA389277933.